The following is an entry in ClinVar:

NM_138691.3(TMC1):c.1010C>A (p.Ser337Tyr)

Gene: TMC1 (transmembrane channel like 1; plus strand). Cytogenetic location: 9q21.13.
Variant type: single nucleotide variant.
Coding change: c.1010C>A on transcript NM_138691.3 (MANE Select); coding-DNA position 1010, C replaced by A.
Protein change: p.Ser337Tyr; replaces serine 337 with tyrosine.
Molecular consequence: missense variant.
Genome position (GRCh38, 1-based): chr9:72,788,464, C>A. VCF-style: chr9-72788464-C-A. GRCh37 (hg19) VCF-style: chr9-75403380-C-A.
Other names: short protein forms S337Y.
Identifiers: ClinVar variation 1328917 (VCV001328917.8), dbSNP rs376305043, ClinGen allele CA5081846.
Genomic context (GRCh38, chr9:72,788,464, plus strand): 5'-TCTTTACCAGCTGGGACTACCTGATCGGCAATCCTGAAACAGCAGACAACAAATTTAATT[C>A]TATCACAATGAACTTTAAGGTAGAGGCACCAACTTCAAAAACCTGCTGTTTGTATTTCTA-3'
Protein context (NP_619636.2, residues 327-347): NPETADNKFN[Ser337Tyr]ITMNFKEAIT

ClinVar aggregate classification (germline): Uncertain significance. Review status: criteria provided, multiple submitters, no conflicts (2 of 4 stars). 3 submissions from 3 submitters: Uncertain significance (3). Last evaluated 2026-06-16.

Conditions:
TMC1-related disorder. Also called: TMC1-related condition; TMC1-related disorders.

Allele frequency attached by ClinVar (database versions not stated): gnomAD 0.00001; gnomAD exomes 0.00001 and 0.00004; ExAC 0.00007; ESP Exome Variant Server 0.00015.
gnomAD v4.1: 14 of 1,613,884 alleles (0.00087%); highest among the groups gnomAD compares: Non-Finnish European, 0.0012%; no homozygotes.

Submissions (3):

PreventionGenetics, part of Exact Sciences
Classification: Uncertain significance for TMC1-related condition. Last evaluated: 2026-06-16. Review status: criteria provided, single submitter. Criteria: ACMG Guidelines, 2015. Collection method: clinical testing. Allele origin: germline.
Comment: The TMC1 c.1010C>A variant is predicted to result in the amino acid substitution p.Ser337Tyr. To our knowledge, this variant has not been reported in the literature. This variant is reported in 0.0077% of alleles in individuals of European (Non-Finnish) descent in gnomAD. At this time, the clinical significance of this variant is uncertain due to the absence of conclusive functional and genetic evidence.

GeneDx
Classification: Uncertain significance. Last evaluated: 2021-12-30. Review status: criteria provided, single submitter. Criteria: GeneDx Variant Classification Process June 2021. Collection method: clinical testing. Allele origin: germline. Affected: yes.
Comment: In silico analysis supports that this missense variant has a deleterious effect on protein structure/function; Has not been previously published as pathogenic or benign to our knowledge

Labcorp Genetics (formerly Invitae), Labcorp
Classification: Uncertain significance. Last evaluated: 2021-08-26. Review status: criteria provided, single submitter. Criteria: Invitae Variant Classification Sherloc (09022015). Collection method: clinical testing. Allele origin: germline.
Comment: This sequence change replaces serine with tyrosine at codon 337 of the TMC1 protein (p.Ser337Tyr). The serine residue is highly conserved and there is a large physicochemical difference between serine and tyrosine. This variant is present in population databases (rs376305043, ExAC 0.01%). This variant has not been reported in the literature in individuals affected with TMC1-related conditions. Algorithms developed to predict the effect of missense changes on protein structure and function are either unavailable or do not agree on the potential impact of this missense change (SIFT: "Deleterious"; PolyPhen-2: "Probably Damaging"; Align-GVGD: "Class C15"). In summary, the available evidence is currently insufficient to determine the role of this variant in disease. Therefore, it has been classified as a Variant of Uncertain Significance.